The following is an entry in ClinVar:

ClinVar aggregate classification (germline): Uncertain significance. Review status: criteria provided, multiple submitters, no conflicts (2 of 4 stars). 2 submissions from 2 submitters: Uncertain significance (2). Last evaluated 2025-09-19.

Conditions:
Dystonic disorder. Also called: Dystonia. Identifiers: MedGen C0013421, MONDO:0003441, HP:0001332.

Allele frequency attached by ClinVar (database versions not stated): TOPMed 0.00008; gnomAD 0.00010 and 0.00011; ESP Exome Variant Server 0.00023.
gnomAD v4.1: 335 of 1,614,232 alleles (0.021%); highest among the groups gnomAD compares: African/African-American, 0.032%; 1 homozygote.

Submissions (2):

Labcorp Genetics (formerly Invitae), Labcorp
Classification: Uncertain significance for Dystonic disorder. Last evaluated: 2025-09-19. Review status: criteria provided, single submitter. Criteria: Invitae Variant Classification Sherloc (09022015). Collection method: clinical testing. Allele origin: germline.
Comment: This sequence change replaces valine, which is neutral and non-polar, with isoleucine, which is neutral and non-polar, at codon 443 of the CIZ1 protein (p.Val443Ile). This variant is present in population databases (rs113931418, gnomAD 0.02%). This variant has not been reported in the literature in individuals affected with CIZ1-related conditions. ClinVar contains an entry for this variant (Variation ID: 647556). An algorithm developed to predict the effect of missense changes on protein structure and function (PolyPhen-2) suggests that this variant is likely to be tolerated. In summary, the available evidence is currently insufficient to determine the role of this variant in disease. Therefore, it has been classified as a Variant of Uncertain Significance.

Ambry Genetics
Classification: Uncertain significance. Last evaluated: 2025-04-17. Review status: criteria provided, single submitter. Criteria: Ambry Variant Classification Scheme 2023. Collection method: clinical testing. Allele origin: germline.

NM_001131016.2(CIZ1):c.1327G>A (p.Val443Ile)

Gene: CIZ1 (CDKN1A interacting zinc finger protein 1; minus strand). Cytogenetic location: 9q34.11.
Variant type: single nucleotide variant.
Coding change: c.1327G>A on transcript NM_001131016.2 (MANE Select); coding-DNA position 1327, G replaced by A.
Protein change: p.Val443Ile; replaces valine 443 with isoleucine.
Molecular consequence: missense variant.
Genome position (GRCh38, 1-based): chr9:128,178,880, C>T on the plus strand (G>A on the coding strand, the complement: CIZ1 is on the minus strand). VCF-style: chr9-128178880-C-T. GRCh37 (hg19) VCF-style: chr9-130941159-C-T.
Other names: c.1159G>A, p.Val387Ile (NM_001131015.2); c.1144G>A, p.Val382Ile (NM_001131017.2); c.1087G>A, p.Val363Ile (NM_001131018.2); c.1417G>A, p.Val473Ile (NM_001257975.2); c.1024G>A, p.Val342Ile (NM_001257976.2); c.1327G>A, p.Val443Ile (NM_012127.3); short protein forms V363I, V443I, V382I, V342I, V473I, V387I.
Identifiers: ClinVar variation 647556 (VCV000647556.9), dbSNP rs113931418, ClinGen allele CA5257332.